The following is an entry in ClinVar:

ClinVar aggregate classification (germline): Pathogenic. Review status: criteria provided, single submitter (1 of 4 stars). 2 submissions from 2 submitters: Pathogenic (1). 1 of the submissions does not count toward it. Last evaluated 2024-05-11.

Conditions:
USH2A-related disorder. Also called: USH2A-related disorders; USH2A-related condition. Identifiers: MedGen CN239332.
Autosomal recessive retinitis pigmentosa. Identifiers: MedGen C0339526.

Submissions (2):

Myriad Genetics, Inc.
Classification: Pathogenic for USH2A-related disorder. Last evaluated: 2024-05-11. Review status: criteria provided, single submitter. Criteria: Myriad Autosomal Dominant, Autosomal Recessive and X-Linked Classification Criteria (2023). Collection method: clinical testing. Allele origin: unknown.
Comment: NM_206933.2(USH2A):c.1923T>A(C641*) is expected to be pathogenic in the context of USH2A-related disorders. This variant is predicted to lead to an abnormal or absent protein product due to the creation of a premature termination codon in USH2A, a gene where loss-of-function variants are known to be pathogenic. Please note: this variant was assessed in the context of healthy population screening.

Faculty of Health Sciences, Beirut Arab University
Classification: Pathogenic for Autosomal recessive Retinitis Pigmentosa. Last evaluated: 2018-09-03. Review status: no assertion criteria provided. Collection method: literature only. Allele origin: germline. Affected: yes. Observed: 2 variant alleles. Not counted in ClinVar's aggregate classification.

Literature cited by the submitters: PubMed 30054919 (cited by Faculty of Health Sciences, Beirut Arab University).

NM_206933.4(USH2A):c.1923T>A (p.Cys641Ter)

Gene: USH2A (usherin; minus strand). Cytogenetic location: 1q41.
Variant type: single nucleotide variant.
Coding change: c.1923T>A on transcript NM_206933.4 (MANE Select); coding-DNA position 1923, T replaced by A.
Protein change: p.Cys641Ter; replaces cysteine 641 with a stop codon.
Molecular consequence: nonsense.
Genome position (GRCh38, 1-based): chr1:216,289,328, A>T on the plus strand (T>A on the coding strand, the complement: USH2A is on the minus strand). VCF-style: chr1-216289328-A-T. GRCh37 (hg19) VCF-style: chr1-216462670-A-T.
Other names: c.1923T>A, p.Cys641Ter (NM_007123.6); short protein forms C641*.
Identifiers: ClinVar variation 979000 (VCV000979000.2), dbSNP rs2036952419, ClinGen allele CA344902718.